The following is an entry in ClinVar:

NM_001374736.1(DST):c.22069A>G (p.Asn7357Asp)

Gene: DST (dystonin; minus strand). Cytogenetic location: 6p12.1.
Variant type: single nucleotide variant.
Coding change: c.22069A>G on transcript NM_001374736.1 (MANE Select); coding-DNA position 22069, A replaced by G.
Protein change: p.Asn7357Asp; replaces asparagine 7357 with aspartic acid.
Molecular consequence: missense variant.
Genome position (GRCh38, 1-based): chr6:56,472,148, T>C on the plus strand (A>G on the coding strand, the complement: DST is on the minus strand). VCF-style: chr6-56472148-T-C. GRCh37 (hg19) VCF-style: chr6-56336946-T-C.
Other names: c.15712A>G, p.Asn5238Asp (NM_001144769.5); c.15298A>G, p.Asn5100Asp (NM_001144770.2); c.22069A>G, p.Asn7357Asp (NM_001374722.1); c.21109A>G, p.Asn7037Asp (NM_001374729.1); c.14851A>G, p.Asn4951Asp (NM_001374730.1); c.22096A>G, p.Asn7366Asp (NM_001374734.1); c.15178A>G, p.Asn5060Asp (NM_001386100.1, NM_183380.4); c.14200A>G, p.Asn4734Asp (NM_015548.5); short protein forms N4734D, N4951D, N5060D, N5100D, N5238D, N7037D, N7357D, N7366D.
Identifiers: ClinVar variation 1023026 (VCV001023026.7), dbSNP rs2094927912, ClinGen allele CA364508807.

ClinVar aggregate classification (germline): Uncertain significance (1 of 4 stars; one submission).

Conditions:
Hereditary sensory and autonomic neuropathy type 6. Also called: Neuropathy, hereditary sensory and autonomic, type VI; HSAN VI. Identifiers: Orphanet 314381, MedGen C3539003, MONDO:0013839, OMIM 614653.
Epidermolysis bullosa simplex 3, localized or generalized intermediate, with BP230 deficiency (EBS3). Also called: Epidermolysis bullosa simplex due to BP230 deficiency; Epidermolysis bullosa simplex, autosomal recessive 2. Identifiers: Orphanet 412181, MedGen C3809470, MONDO:0014180, OMIM 615425.

Allele frequency attached by ClinVar (database versions not stated): gnomAD exomes below 0.00001.
gnomAD v4.1: 1 of 1,613,932 alleles (0.000062%); highest among the groups gnomAD compares: Non-Finnish European, 0.000085%; no homozygotes.

Submission:

Labcorp Genetics (formerly Invitae), Labcorp
Classification: Uncertain significance for Epidermolysis bullosa simplex 3, localized or generalized intermediate, with BP230 deficiency; Hereditary sensory and autonomic neuropathy type 6. Last evaluated: 2020-08-24. Review status: criteria provided, single submitter. Criteria: Invitae Variant Classification Sherloc (09022015). Collection method: clinical testing. Allele origin: germline.
Comment: This sequence change replaces asparagine with aspartic acid at codon 4734 of the DST protein (p.Asn4734Asp). The asparagine residue is moderately conserved and there is a small physicochemical difference between the two amino acids. The DST gene has multiple clinically relevant transcripts. This variant occurs in alternate transcript NM_015548.4, and corresponds to NM_001723.5:c.*143369A>G in the primary transcript. This variant is not present in population databases (ExAC no frequency). This variant has not been reported in the literature in individuals with DST-related conditions. Experimental studies and prediction algorithms are not available or were not evaluated, and the functional significance of this variant is currently unknown. In summary, the available evidence is currently insufficient to determine the role of this variant in disease. Therefore, it has been classified as a Variant of Uncertain Significance.